The following is an entry in ClinVar:

ClinVar aggregate classification (germline): Uncertain significance. Review status: criteria provided, multiple submitters, no conflicts (2 of 4 stars). 3 submissions from 3 submitters: Uncertain significance (3). Last evaluated 2026-07-06.

Conditions:
Inborn genetic diseases. Identifiers: MedGen C0950123, MeSH D030342.
KIDINS220-related disorder. Also called: KIDINS220-related condition.

Allele frequency attached by ClinVar (database versions not stated): gnomAD 0.00001 and 0.00002; TOPMed 0.00003; 1000 Genomes Project 0.00020; 1000 Genomes Project 30x 0.00031.
gnomAD v4.1: 78 of 1,614,106 alleles (0.0048%); highest among the groups gnomAD compares: Middle Eastern, 0.016%; no homozygotes.

Submissions (3):

PreventionGenetics, part of Exact Sciences
Classification: Uncertain significance for KIDINS220-related condition. Last evaluated: 2026-07-06. Review status: criteria provided, single submitter. Criteria: ACMG Guidelines, 2015. Collection method: clinical testing. Allele origin: germline.
Comment: The KIDINS220 c.2751G>A variant is predicted to result in the amino acid substitution p.Met917Ile. To our knowledge, this variant has not been reported in the literature. This variant is reported in 0.012% of alleles in individuals of European (Non-Finnish) descent in gnomAD. At this time, the clinical significance of this variant is uncertain due to the absence of conclusive functional and genetic evidence.

Labcorp Genetics (formerly Invitae), Labcorp
Classification: Uncertain significance. Last evaluated: 2025-01-06. Review status: criteria provided, single submitter. Criteria: Invitae Variant Classification Sherloc (09022015). Collection method: clinical testing. Allele origin: germline.
Comment: This sequence change replaces methionine, which is neutral and non-polar, with isoleucine, which is neutral and non-polar, at codon 917 of the KIDINS220 protein (p.Met917Ile). This variant is present in population databases (rs201276457, gnomAD 0.01%). This variant has not been reported in the literature in individuals affected with KIDINS220-related conditions. ClinVar contains an entry for this variant (Variation ID: 1428678). An algorithm developed to predict the effect of missense changes on protein structure and function (PolyPhen-2) suggests that this variant is likely to be disruptive. In summary, the available evidence is currently insufficient to determine the role of this variant in disease. Therefore, it has been classified as a Variant of Uncertain Significance.

Ambry Genetics
Classification: Uncertain significance for Inborn genetic diseases. Last evaluated: 2024-10-04. Review status: criteria provided, single submitter. Criteria: Ambry Variant Classification Scheme 2023. Collection method: clinical testing. Allele origin: germline.

NM_020738.4(KIDINS220):c.2751G>A (p.Met917Ile)

Gene: KIDINS220 (kinase D interacting substrate 220; minus strand). Cytogenetic location: 2p25.1.
Variant type: single nucleotide variant.
Coding change: c.2751G>A on transcript NM_020738.4 (MANE Select); coding-DNA position 2751, G replaced by A.
Protein change: p.Met917Ile; replaces methionine 917 with isoleucine.
Molecular consequence: missense variant. On other transcripts: non-coding transcript variant (2).
Genome position (GRCh38, 1-based): chr2:8,776,845, C>T on the plus strand (G>A on the coding strand, the complement: KIDINS220 is on the minus strand). VCF-style: chr2-8776845-C-T. GRCh37 (hg19) VCF-style: chr2-8916975-C-T.
Other names: c.2751G>A (NM_020738.2); c.2754G>A, p.Met918Ile (NM_001348729.2, NM_001348731.2, NM_001348734.2 and 3 more transcripts); c.2751G>A, p.Met917Ile (NM_001348732.2, NM_001348735.2, NM_001348738.2 and 3 more transcripts); c.2625G>A, p.Met875Ile (NM_001348736.2); short protein forms M917I, M918I, M875I.
Identifiers: ClinVar variation 1428678 (VCV001428678.11), dbSNP rs201276457, ClinGen allele CA1519883.
Genomic context (GRCh38, chr2:8,776,845, plus strand): 5'-CTGGGGACTGATGTCACTGAACCAGTCCTCGGTAACCAGCAGTTTTGTAAGATCAAAGGA[C>T]ATCTGGCGAGTGATGGTCCTCTGCATCTGCCTTCTTCGGTAAGTGTCCTGAAACAGCACG-3'
Protein context (NP_065789.1, residues 907-927): RQMQRTITRQ[Met917Ile]SFDLTKLLVT